The following is an entry in ClinVar:

ClinVar aggregate classification (germline): Likely benign (1 of 4 stars; one submission).

Allele frequency attached by ClinVar (database versions not stated): gnomAD 0.00001; TOPMed below 0.00001.
gnomAD v4.1: 1 of 1,608,624 alleles (0.000062%); highest among the groups gnomAD compares: Non-Finnish European, 0.000085%; no homozygotes.

Submission:

CeGaT Center for Human Genetics Tuebingen
Classification: Likely benign. Last evaluated: 2023-04-01. Review status: criteria provided, single submitter. Criteria: CeGaT Center For Human Genetics Tuebingen Variant Classification Criteria Version 2. Collection method: clinical testing. Allele origin: germline. Affected: yes. Observed: 1 variant allele.
Comment: SOX10: BP4, BP7

NM_006941.4(SOX10):c.189G>A (p.Ala63=)

Genes: POLR2F (RNA polymerase II, I and III subunit F; plus strand), SOX10 (SRY-box transcription factor 10; minus strand). Cytogenetic location: 22q13.1.
Variant type: single nucleotide variant.
Coding change: c.189G>A on transcript NM_006941.4 (MANE Select); coding-DNA position 189, G replaced by A.
Protein change: p.Ala63=; no amino-acid change (alanine 63 retained).
Molecular consequence: synonymous variant. On other transcripts: intron variant (3).
Genome position (GRCh38, 1-based): chr22:37,983,596, C>T on the plus strand (G>A on the coding strand, the complement: SOX10 is on the minus strand). VCF-style: chr22-37983596-C-T. GRCh37 (hg19) VCF-style: chr22-38379603-C-T.
Other names: c.*38+11286C>T (NM_001363825.1); c.294-2558C>T (NM_001301130.2); c.293+16426C>T (NM_001301131.2).
Identifiers: ClinVar variation 2653132 (VCV002653132.22), dbSNP rs1388105655, ClinGen allele CA514777127.